The following is an entry in ClinVar:

ClinVar aggregate classification (germline): Benign/Likely benign. Review status: criteria provided, multiple submitters, no conflicts (2 of 4 stars). 9 submissions from 9 submitters: Benign (6); Likely benign (3). Last evaluated 2026-01-27.

Conditions:
Ataxia-telangiectasia-like disorder (ATLD). Identifiers: MedGen C1858391, MONDO:0011457.
Hereditary cancer-predisposing syndrome. Also called: Neoplastic Syndromes, Hereditary; Hereditary Cancer Syndrome; Tumor predisposition; Hereditary neoplastic syndrome. Identifiers: Orphanet 140162, MedGen C0027672, MeSH D009386, MONDO:0015356.
Hereditary breast ovarian cancer syndrome. Also called: Hereditary breast and/or ovarian cancer syndrome; Hereditary breast and ovarian cancer syndrome (HBOC); Hereditary breast and ovarian cancer syndrome; Hereditary breast and ovarian cancer; Breast and ovarian cancer; BRCA1- and BRCA2-Associated Hereditary Breast and Ovarian Cancer. Identifiers: Orphanet 145, MedGen C0677776, MeSH D061325, MONDO:0003582. Disease mechanism: loss of function.
Ataxia-telangiectasia-like disorder 1 (ATLD1). Identifiers: Orphanet 251347, MedGen C4012790, MONDO:0024557, OMIM 604391.

Allele frequency attached by ClinVar (database versions not stated): gnomAD 0.00001 and 0.00036; TOPMed 0.00005; gnomAD exomes 0.00053 and 0.00107; ExAC 0.00132; 1000 Genomes Project 0.00300; 1000 Genomes Project 30x 0.00328.
gnomAD v4.1: 842 of 1,612,442 alleles (0.052%); highest among the groups gnomAD compares: South Asian, 0.86%; 12 homozygotes.

Submissions (9):

Labcorp Genetics (formerly Invitae), Labcorp
Classification: Benign for Ataxia-telangiectasia-like disorder. Last evaluated: 2026-01-27. Review status: criteria provided, single submitter. Criteria: Invitae Variant Classification Sherloc (09022015). Collection method: clinical testing. Allele origin: germline.

Blueprint Genetics
Classification: Likely benign. Last evaluated: 2024-10-04. Review status: criteria provided, single submitter. Criteria: ACMG Guidelines, 2015. Collection method: clinical testing. Allele origin: germline.

Women's Health and Genetics/Laboratory Corporation of America, LabCorp
Classification: Benign. Last evaluated: 2024-09-09. Review status: criteria provided, single submitter. Criteria: LabCorp Variant Classification Summary - May 2015. Collection method: clinical testing. Allele origin: germline.
Comment: Variant summary: MRE11A c.1780A>G (p.Arg594Gly) results in a non-conservative amino acid change in the encoded protein sequence. Three of five in-silico tools predict a benign effect of the variant on protein function. The variant allele was found at a frequency of 0.00052 in 1612442 control chromosomes, predominantly at a frequency of 0.0086 within the South Asian subpopulation in the gnomAD database (v4), including 10 homozygotes. The observed variant frequency within South Asian control individuals in the gnomAD database is approximately 7 fold of the estimated maximal expected allele frequency for a pathogenic variant in MRE11A causing Ataxia Telangiectasia-Like Disorder phenotype (0.0013). To our knowledge, no occurrence of c.1780A>G in individuals affected with Ataxia Telangiectasia-Like Disorder and no experimental evidence demonstrating its impact on protein function have been reported. ClinVar contains an entry for this variant (Variation ID: 141544). Based on the evidence outlined above, the variant was classified as benign.

KCCC/NGS Laboratory, Kuwait Cancer Control Center
Classification: Benign for Ataxia-telangiectasia-like disorder 1. Last evaluated: 2023-07-07. Review status: criteria provided, single submitter. Criteria: ACMG Guidelines, 2015. Collection method: clinical testing. Allele origin: germline. Affected: yes.

National Health Laboratory Service, Universitas Academic Hospital and University of the Free State
Classification: Benign for Hereditary breast ovarian cancer syndrome. Last evaluated: 2022-04-19. Review status: criteria provided, single submitter. Criteria: ACMG Guidelines, 2015. Collection method: clinical testing. Allele origin: germline. Affected: yes. Observed: 1 variant allele.

Sema4
Classification: Benign for Hereditary cancer-predisposing syndrome. Last evaluated: 2021-10-08. Review status: criteria provided, single submitter. Criteria: Sema4 Curation Guidelines. Collection method: curation. Allele origin: germline.

Ambry Genetics
Classification: Likely benign for Hereditary cancer-predisposing syndrome. Last evaluated: 2019-01-17. Review status: criteria provided, single submitter. Criteria: Ambry Variant Classification Scheme 2023. Collection method: clinical testing. Allele origin: germline.

Illumina Laboratory Services, Illumina
Classification: Likely benign for Ataxia-telangiectasia-like disorder 1. Last evaluated: 2018-01-13. Review status: criteria provided, single submitter. Criteria: ICSL Variant Classification Criteria 13 December 2019. Collection method: clinical testing. Allele origin: germline.
Comment: This variant was observed in the ICSL laboratory as part of a predisposition screen in an ostensibly healthy population. It had not been previously curated by ICSL or reported in the Human Gene Mutation Database (HGMD: prior to June 1st, 2018), and was therefore a candidate for classification through an automated scoring system. Utilizing variant allele frequency, disease prevalence and penetrance estimates, and inheritance mode, an automated score was calculated to assess if this variant is too frequent to cause the disease. Based on the score and internal cut-off values, a variant classified as likely benign is not then subjected to further curation. The score for this variant resulted in a classification of likely benign for this disease.

PreventionGenetics, part of Exact Sciences
Classification: Benign. Review status: criteria provided, single submitter. Criteria: ACMG Guidelines, 2015. Collection method: clinical testing. Allele origin: germline.

NM_005591.4(MRE11):c.1780A>G (p.Arg594Gly)

Gene: MRE11 (MRE11 double strand break repair nuclease; minus strand). Cytogenetic location: 11q21.
Variant type: single nucleotide variant.
Coding change: c.1780A>G on transcript NM_005591.4 (MANE Select); coding-DNA position 1780, A replaced by G.
Protein change: p.Arg594Gly; replaces arginine 594 with glycine.
Molecular consequence: missense variant.
Genome position (GRCh38, 1-based): chr11:94,447,222, T>C on the plus strand (A>G on the coding strand, the complement: MRE11 is on the minus strand). VCF-style: chr11-94447222-T-C. GRCh37 (hg19) VCF-style: chr11-94180388-T-C.
Other names: NP_005582.1:p.Arg594Gly; c.1780A>G, p.Arg594Gly (NM_001330347.2, NM_005590.4); short protein forms R594G.
Identifiers: ClinVar variation 141544 (VCV000141544.24), dbSNP rs576878377, ClinGen allele CA333213.